The following is an entry in ClinVar:

ClinVar aggregate classification (germline): Uncertain significance. Review status: criteria provided, multiple submitters, no conflicts (2 of 4 stars). 5 submissions from 5 submitters: Uncertain significance (5). Last evaluated 2025-05-23.

Conditions:
Cardiovascular phenotype. Identifiers: MedGen CN230736.
Arrhythmogenic right ventricular cardiomyopathy (ARVD). Also called: Arrhythmogenic cardiomyopathy; Arrhythmogenic Right Ventricular Cardiomyopathy (ARVC); Cardiomyopathy, ARVC; Arrhythmogenic right ventricular dysplasia. Identifiers: Orphanet 247, MedGen C0349788, MeSH D019571, MONDO:0016587. Disease mechanism: loss of function. Inheritance: Various modes of inheritance.
Cardiomyopathy (CMYO). Also called: Cardiomyopathies. Identifiers: Orphanet 167848, MedGen C0878544, MONDO:0004994, HP:0001638. Inheritance: Various modes of inheritance.
Arrhythmogenic right ventricular dysplasia 10. Also called: Arrhythmogenic right ventricular dysplasia/cardiomyopathy, type 10; Arrhythmogenic Right Ventricular Dysplasia/Cardiomyopathy10; ARRHYTHMOGENIC RIGHT VENTRICULAR DYSPLASIA, FAMILIAL, 10. Identifiers: MedGen C1857777, MONDO:0012434, OMIM 610193.

Allele frequency attached by ClinVar (database versions not stated): TOPMed 0.00001; gnomAD 0.00006.
gnomAD v4.1: 39 of 1,614,092 alleles (0.0024%); highest among the groups gnomAD compares: Non-Finnish European, 0.0032%; no homozygotes.

Submissions (5):

Labcorp Genetics (formerly Invitae), Labcorp
Classification: Uncertain significance for Arrhythmogenic right ventricular dysplasia 10. Last evaluated: 2025-05-23. Review status: criteria provided, single submitter. Criteria: Invitae Variant Classification Sherloc (09022015). Collection method: clinical testing. Allele origin: germline.
Comment: This sequence change replaces asparagine, which is neutral and polar, with serine, which is neutral and polar, at codon 33 of the DSG2 protein (p.Asn33Ser). This variant is present in population databases (rs727505205, gnomAD 0.004%). This missense change has been observed in individual(s) with dilated cardiomyopathy (PMID: 27532257). ClinVar contains an entry for this variant (Variation ID: 199795). Invitae Evidence Modeling of protein sequence and biophysical properties (such as structural, functional, and spatial information, amino acid conservation, physicochemical variation, residue mobility, and thermodynamic stability) indicates that this missense variant is not expected to disrupt DSG2 protein function with a negative predictive value of 95%. In summary, the available evidence is currently insufficient to determine the role of this variant in disease. Therefore, it has been classified as a Variant of Uncertain Significance.

All of Us Research Program, National Institutes of Health
Classification: Uncertain significance for Arrhythmogenic right ventricular cardiomyopathy. Last evaluated: 2024-02-05. Review status: criteria provided, single submitter. Criteria: ACMG Guidelines, 2015. Collection method: clinical testing. Allele origin: germline. Inheritance: Autosomal dominant inheritance. Observed: 4 variant alleles, 4 heterozygotes.
Comment: This missense variant replaces asparagine with serine at codon 33 of the DSG2 protein. Computational prediction suggests that this variant may not impact protein structure and function (internally defined REVEL score threshold <= 0.5, PMID: 27666373). To our knowledge, functional studies have not been reported for this variant. This variant has been reported in an individual affected with dilated cardiomyopathy (PMID: 27532257, 31983221). This variant has been identified in 5/280842 chromosomes in the general population by the Genome Aggregation Database (gnomAD). The available evidence is insufficient to determine the role of this variant in disease conclusively. Therefore, this variant is classified as a Variant of Uncertain Significance.

This study involves interpretation of variants in research participants for the purpose of population health screening. Participant phenotype was not available at the time of variant classification. Additional details can be found in publication PMID: 35346344, PMCID: PMC8962531

Color Diagnostics, LLC DBA Color Health
Classification: Uncertain significance for Cardiomyopathy. Last evaluated: 2023-11-08. Review status: criteria provided, single submitter. Criteria: ACMG Guidelines, 2015. Collection method: clinical testing. Allele origin: germline.
Comment: This missense variant replaces asparagine with serine at codon 33 of the DSG2 protein. Computational prediction suggests that this variant may not impact protein structure and function (internally defined REVEL score threshold <= 0.5, PMID: 27666373). To our knowledge, functional studies have not been reported for this variant. This variant has been reported in an individual affected with dilated cardiomyopathy (PMID: 27532257, 31983221). This variant has been identified in 5/280842 chromosomes in the general population by the Genome Aggregation Database (gnomAD). The available evidence is insufficient to determine the role of this variant in disease conclusively. Therefore, this variant is classified as a Variant of Uncertain Significance.

Ambry Genetics
Classification: Uncertain significance for Cardiovascular phenotype. Last evaluated: 2023-06-06. Review status: criteria provided, single submitter. Criteria: Ambry Variant Classification Scheme 2023. Collection method: clinical testing. Allele origin: germline.
Comment: The p.N33S variant (also known as c.98A>G), located in coding exon 3 of the DSG2 gene, results from an A to G substitution at nucleotide position 98. The asparagine at codon 33 is replaced by serine, an amino acid with highly similar properties. This alteration has been reported in a cardiomyopathy cohort; however, clinical details were limited (Walsh R et al. Genet Med, 2017 Feb;19:192-203). This amino acid position is not well conserved in available vertebrate species. In addition, this alteration is predicted to be tolerated by in silico analysis. Since supporting evidence is limited at this time, the clinical significance of this alteration remains unclear.

GeneDx
Classification: Uncertain significance. Last evaluated: 2012-11-21. Review status: criteria provided, single submitter. Criteria: GeneDx Variant Classification (06012015). Collection method: clinical testing. Allele origin: germline. Affected: yes.
Comment: p.Asn33Ser (AAT>AGT): c.98 A>G in exon 3 of the DSG2 gene (NM_001943.3). The Asn33Ser variant in the DSG2 gene has not been reported as a disease-causing mutation or as a benign polymorphism to our knowledge. Asn33Ser results in a conservative amino acid substitution of one neutral, polar residue with another at a position that is not conserved across species. Therefore, in silico algorithms predict Asn33Ser does not alter the protein's structure/function. No pathogenic mutations have been reported in near proximity of Asn33Ser, indicating this region of the protein may be tolerant of change (Van der Zwaag P et al., 2009). Although these findings indicate that Asn33Ser is likely a benign variant, it was not reported in the 1000 Genomes database (Kersey P et al., 2010), and the NHLBI ESP Exome Variant Project has not identified Asn33Ser in approximately 6000 samples from individuals of European and African American backgrounds, indicating it is not a common benign variant in these populations. With the information available at this time, we cannot definitively determine if Asn33Ser is a disease-causing mutation or a rare benign variant. The variant is found in ARVC panel(s).

Literature cited by the submitters: PubMed 27532257 (cited by 4 submitters); PubMed 31983221 (cited by All of Us Research Program, National Institutes of Health and Color Diagnostics, LLC DBA Color Health).

NM_001943.5(DSG2):c.98A>G (p.Asn33Ser)

Gene: DSG2 (desmoglein 2; plus strand). Cytogenetic location: 18q12.1.
Variant type: single nucleotide variant.
Coding change: c.98A>G on transcript NM_001943.5 (MANE Select); coding-DNA position 98, A replaced by G.
Protein change: p.Asn33Ser; replaces asparagine 33 with serine.
Molecular consequence: missense variant.
Genome position (GRCh38, 1-based): chr18:31,519,819, A>G. VCF-style: chr18-31519819-A-G. GRCh37 (hg19) VCF-style: chr18-29099782-A-G.
Other names: p.N33S:AAT>AGT; c.98A>G (LRG_397t1); short protein forms N33S.
Identifiers: ClinVar variation 199795 (VCV000199795.14), dbSNP rs727505205, ClinGen allele CA022371.
Genomic context (GRCh38, chr18:31,519,819, plus strand): 5'-ATTTATGACACATAATAAATTTTGGCAATATTCTATTGTTATAGGTCTTAAGCACAAGAA[A>G]TGAAAATAAGCTGCTTCCTAAACATCCTCATTTAGTGCGGCAAAAGCGCGCCTGGATCAC-3'
Protein context (NP_001934.2, residues 23-43): GLHLQVLSTR[Asn33Ser]ENKLLPKHPH